The following is an entry in ClinVar:

ClinVar aggregate classification (germline): other (0 of 4 stars; one submission).

Conditions:
Familial colorectal cancer. Identifiers: MedGen CN280943, MONDO:0023113. Disease mechanism: loss of function.

Submission:

Systems Biology Platform Zhejiang California International NanoSystems Institute
Classification: other for Familial colorectal cancer. Review status: no assertion criteria provided. Collection method: not provided. Allele origin: unknown.
ClinVar note: Converted during submission from cancer to other.

NC_000005.10:g.112851079G>T

Variant type: single nucleotide variant.
Genome position: GRCh38 VCF-style: chr5-112851079-G-T. GRCh37 (hg19) VCF-style: chr5-112186776-G-T.
Identifiers: ClinVar variation 82675 (VCV000082675.3), dbSNP rs76458454, ClinGen allele CA250815.